The following is an entry in ClinVar:

ClinVar aggregate classification (germline): Uncertain significance (1 of 4 stars; one submission).

Conditions:
Leukocyte adhesion deficiency 3. Also called: INTEGRIN ACTIVATION DEFICIENCY DISEASE; LEUKOCYTE ADHESION DEFICIENCY 1 VARIANT; Leukocyte adhesion deficiency, type III. Identifiers: Orphanet 2968, Orphanet 99844, MedGen C2748536, MONDO:0013016, OMIM 612840.

Allele frequency attached by ClinVar (database versions not stated): gnomAD exomes below 0.00001; gnomAD 0.00001.
gnomAD v4.1: 7 of 1,613,664 alleles (0.00043%); highest among the groups gnomAD compares: Admixed American, 0.0033%; no homozygotes.

Submission:

Labcorp Genetics (formerly Invitae), Labcorp
Classification: Uncertain significance for Leukocyte adhesion deficiency 3. Last evaluated: 2022-10-03. Review status: criteria provided, single submitter. Criteria: Invitae Variant Classification Sherloc (09022015). Collection method: clinical testing. Allele origin: germline.
Comment: In summary, the available evidence is currently insufficient to determine the role of this variant in disease. Therefore, it has been classified as a Variant of Uncertain Significance. Advanced modeling of protein sequence and biophysical properties (such as structural, functional, and spatial information, amino acid conservation, physicochemical variation, residue mobility, and thermodynamic stability) has been performed at Invitae for this missense variant, however the output from this modeling did not meet the statistical confidence thresholds required to predict the impact of this variant on FERMT3 protein function. This variant has not been reported in the literature in individuals affected with FERMT3-related conditions. This variant is present in population databases (no rsID available, gnomAD 0.004%). This sequence change replaces arginine, which is basic and polar, with tryptophan, which is neutral and slightly polar, at codon 603 of the FERMT3 protein (p.Arg603Trp).

NM_031471.6(FERMT3):c.1807C>T (p.Arg603Trp)

Gene: FERMT3 (FERM domain containing kindlin 3; plus strand). Cytogenetic location: 11q13.1.
Variant type: single nucleotide variant.
Coding change: c.1807C>T on transcript NM_031471.6 (MANE Select); coding-DNA position 1807, C replaced by T.
Protein change: p.Arg603Trp; replaces arginine 603 with tryptophan.
Molecular consequence: missense variant.
Genome position (GRCh38, 1-based): chr11:64,223,184, C>T. VCF-style: chr11-64223184-C-T. GRCh37 (hg19) VCF-style: chr11-63990656-C-T.
Other names: c.1807C>T, p.Arg603Trp (NM_001382361.1, NM_001382448.1); c.1819C>T, p.Arg607Trp (NM_001382362.1, NM_178443.3); c.1267C>T, p.Arg423Trp (NM_001382363.1); c.1279C>T, p.Arg427Trp (NM_001382364.1); short protein forms R427W, R603W, R423W, R607W.
Identifiers: ClinVar variation 2189321 (VCV002189321.4), dbSNP rs1351291515, ClinGen allele CA381090173.